The following is an entry in ClinVar:

NM_000355.4(TCN2):c.625T>C (p.Ser209Pro)

Gene: TCN2 (transcobalamin 2; plus strand). Cytogenetic location: 22q12.2.
Variant type: single nucleotide variant.
Coding change: c.625T>C on transcript NM_000355.4 (MANE Select); coding-DNA position 625, T replaced by C.
Protein change: p.Ser209Pro; replaces serine 209 with proline.
Molecular consequence: missense variant.
Genome position (GRCh38, 1-based): chr22:30,615,345, T>C. VCF-style: chr22-30615345-T-C. GRCh37 (hg19) VCF-style: chr22-31011332-T-C.
Other names: c.544T>C, p.Ser182Pro (NM_001184726.2); c.625T>C (NM_000355.3); short protein forms S182P, S209P.
Identifiers: ClinVar variation 1911472 (VCV001911472.5), dbSNP rs770602221, ClinGen allele CA10184756.

ClinVar aggregate classification (germline): Uncertain significance. Review status: criteria provided, multiple submitters, no conflicts (2 of 4 stars). 2 submissions from 2 submitters: Uncertain significance (2). Last evaluated 2024-10-20.

Conditions:
Inborn genetic diseases. Identifiers: MedGen C0950123, MeSH D030342.
Transcobalamin II deficiency (TCN2D). Also called: TC II DEFICIENCY; TCN2 DEFICIENCY; Transcolabamin II deficiency. Identifiers: Orphanet 859, MedGen C0342701, MONDO:0010149, OMIM 275350.

Allele frequency attached by ClinVar (database versions not stated): ExAC 0.00001; TOPMed 0.00001; gnomAD 0.00002; gnomAD exomes 0.00003.
gnomAD v4.1: 41 of 1,613,982 alleles (0.0025%); highest among the groups gnomAD compares: Non-Finnish European, 0.0033%; no homozygotes.

Submissions (2):

Ambry Genetics
Classification: Uncertain significance for Inborn genetic diseases. Last evaluated: 2024-10-20. Review status: criteria provided, single submitter. Criteria: Ambry Variant Classification Scheme 2023. Collection method: clinical testing. Allele origin: germline.

Labcorp Genetics (formerly Invitae), Labcorp
Classification: Uncertain significance for Transcobalamin II deficiency. Last evaluated: 2023-12-31. Review status: criteria provided, single submitter. Criteria: Invitae Variant Classification Sherloc (09022015). Collection method: clinical testing. Allele origin: germline.
Comment: This sequence change replaces serine, which is neutral and polar, with proline, which is neutral and non-polar, at codon 209 of the TCN2 protein (p.Ser209Pro). This variant is present in population databases (rs770602221, gnomAD 0.003%). This variant has not been reported in the literature in individuals affected with TCN2-related conditions. ClinVar contains an entry for this variant (Variation ID: 1911472). Advanced modeling of protein sequence and biophysical properties (such as structural, functional, and spatial information, amino acid conservation, physicochemical variation, residue mobility, and thermodynamic stability) performed at Invitae indicates that this missense variant is expected to disrupt TCN2 protein function with a positive predictive value of 80%. In summary, the available evidence is currently insufficient to determine the role of this variant in disease. Therefore, it has been classified as a Variant of Uncertain Significance.